The following is an entry in ClinVar:

ClinVar aggregate classification (germline): Likely pathogenic (1 of 4 stars; one submission).

Conditions:
Congenital myasthenic syndrome 4A. Also called: CONGENITAL MYASTHENIC SYNDROME TYPE Ia1; MYASTHENIC SYNDROME, CONGENITAL, 4A, SLOW-CHANNEL, AUTOSOMAL RECESSIVE; Myasthenic syndrome, congenital, 4a, slow-channel. Identifiers: Orphanet 590, MedGen C4225413, MONDO:0011600, OMIM 605809.
Congenital myasthenic syndrome 4C (CMS4C). Also called: Myasthenic syndrome, congenital, associated with acetylcholine receptor deficiency. Identifiers: Orphanet 590, MedGen C1837091, MONDO:0012157, OMIM 608931.
Congenital myasthenic syndrome 4B. Also called: Myasthenic syndrome, congenital, 4b, fast-channel. Identifiers: Orphanet 590, MedGen C4225369, MONDO:0014586, OMIM 616324.

Submission:

Kariminejad - Najmabadi Pathology & Genetics Center
Classification: Likely pathogenic for Congenital myasthenic syndrome 4A; Congenital myasthenic syndrome 4B; Congenital myasthenic syndrome 4C. Last evaluated: 2023-08-13. Review status: criteria provided, single submitter. Criteria: ACMG Guidelines, 2015. Collection method: clinical testing. Allele origin: germline. Inheritance: Autosomal recessive inheritance. Affected: yes.
Comment: PVS1- PM2

NM_000080.4(CHRNE):c.1327-2A>C

Gene: CHRNE (cholinergic receptor nicotinic epsilon subunit; minus strand). Cytogenetic location: 17p13.2.
Variant type: single nucleotide variant.
Coding change: c.1327-2A>C on transcript NM_000080.4 (MANE Select); the canonical splice acceptor site of the intron before coding-DNA position 1327, A replaced by C.
Molecular consequence: splice acceptor variant.
Genome position (GRCh38, 1-based): chr17:4,898,893, T>G on the plus strand (A>C on the coding strand, the complement: CHRNE is on the minus strand). VCF-style: chr17-4898893-T-G. GRCh37 (hg19) VCF-style: chr17-4802188-T-G.
Identifiers: ClinVar variation 3896805 (VCV003896805.1).